The following is an entry in ClinVar:

NM_032043.3(BRIP1):c.3484T>G (p.Ser1162Ala)

Gene: BRIP1 (BRCA1 interacting DNA helicase 1; minus strand). Cytogenetic location: 17q23.2.
Variant type: single nucleotide variant.
Coding change: c.3484T>G on transcript NM_032043.3 (MANE Select); coding-DNA position 3484, T replaced by G.
Protein change: p.Ser1162Ala; replaces serine 1162 with alanine.
Molecular consequence: missense variant.
Genome position (GRCh38, 1-based): chr17:61,683,562, A>C on the plus strand (T>G on the coding strand, the complement: BRIP1 is on the minus strand). VCF-style: chr17-61683562-A-C. GRCh37 (hg19) VCF-style: chr17-59760923-A-C.
Other names: short protein forms S1162A.
Identifiers: ClinVar variation 4823949 (VCV004823949.1).

ClinVar aggregate classification (germline): Uncertain significance (1 of 4 stars; one submission).

Conditions:
Hereditary cancer-predisposing syndrome. Also called: Neoplastic Syndromes, Hereditary; Hereditary neoplastic syndrome; Tumor predisposition; Hereditary Cancer Syndrome. Identifiers: Orphanet 140162, MedGen C0027672, MeSH D009386, MONDO:0015356.

Submission:

Ambry Genetics
Classification: Uncertain significance for Hereditary cancer-predisposing syndrome. Last evaluated: 2026-02-20. Review status: criteria provided, single submitter. Criteria: Ambry Variant Classification Scheme 2023. Collection method: clinical testing. Allele origin: germline.
Comment: The p.S1162A variant (also known as c.3484T>G), located in coding exon 19 of the BRIP1 gene, results from a T to G substitution at nucleotide position 3484. The serine at codon 1162 is replaced by alanine, an amino acid with similar properties. This amino acid position is well conserved in available vertebrate species. In addition, this alteration is predicted to be tolerated by in silico analysis. Based on the available evidence, the clinical significance of this variant remains unclear.